The following is an entry in ClinVar:

NM_024753.5(TTC21B):c.3705A>G (p.Glu1235=)

Gene: TTC21B (tetratricopeptide repeat domain 21B; minus strand). Cytogenetic location: 2q24.3.
Variant type: single nucleotide variant.
Coding change: c.3705A>G on transcript NM_024753.5 (MANE Select); coding-DNA position 3705, A replaced by G.
Protein change: p.Glu1235=; no amino-acid change (glutamic acid 1235 retained).
Molecular consequence: synonymous variant.
Genome position (GRCh38, 1-based): chr2:165,880,779, T>C on the plus strand (A>G on the coding strand, the complement: TTC21B is on the minus strand). VCF-style: chr2-165880779-T-C. GRCh37 (hg19) VCF-style: chr2-166737289-T-C.
Other names: c.3705A>G (NM_024753.4).
Identifiers: ClinVar variation 4792579 (VCV004792579.2).

ClinVar aggregate classification (germline): Likely benign. Review status: criteria provided, multiple submitters, no conflicts (2 of 4 stars). 2 submissions from 2 submitters: Likely benign (2). Last evaluated 2025-07-27.

Conditions:
TTC21B-related disorder. Also called: TTC21B-related condition; TTC21B-related disorders.
Jeune thoracic dystrophy. Also called: Jeune syndrome; Infantile thoracic dystrophy; Thoracic pelvic phalangeal dystrophy; Jeune's syndrome; Chondroectodermal dysplasia-like syndrome; Short-rib thoracic dysplasia. Identifiers: Orphanet 474, MedGen C0265275, MONDO:0018770.
Nephronophthisis. Also called: Juvenile Nephronophthisis. Identifiers: Orphanet 655, MedGen C0687120, MONDO:0019005, HP:0000090.

gnomAD v4.1: 4 of 1,612,732 alleles (0.00025%); highest among the groups gnomAD compares: African/African-American, 0.0027%; no homozygotes.

Submissions (2):

Labcorp Genetics (formerly Invitae), Labcorp
Classification: Likely benign for Jeune thoracic dystrophy; Nephronophthisis. Last evaluated: 2025-07-27. Review status: criteria provided, single submitter. Criteria: Invitae Variant Classification Sherloc (09022015). Collection method: clinical testing. Allele origin: germline.

PreventionGenetics, part of Exact Sciences
Classification: Likely benign for TTC21B-related condition. Last evaluated: 2024-12-26. Review status: criteria provided, single submitter. Criteria: ACMG Guidelines, 2015. Collection method: clinical testing. Allele origin: germline.
Comment: This variant is classified as likely benign based on ACMG/AMP sequence variant interpretation guidelines (Richards et al. 2015 PMID: 25741868, with internal and published modifications).